The following is an entry in ClinVar:

ClinVar aggregate classification (germline): Uncertain significance (1 of 4 stars; one submission).

Conditions:
MEGF10-related myopathy (CMYO10A). Also called: Congenital myopathy 10A, severe variant. Identifiers: Orphanet 439212, MedGen C3280679, MONDO:0013731, OMIM 614399.

Allele frequency attached by ClinVar (database versions not stated): ExAC 0.00001; gnomAD 0.00001; gnomAD exomes 0.00001; TOPMed 0.00002.
gnomAD v4.1: 8 of 1,613,934 alleles (0.0005%); highest among the groups gnomAD compares: Non-Finnish European, 0.00059%; no homozygotes.

Submission:

Labcorp Genetics (formerly Invitae), Labcorp
Classification: Uncertain significance for MEGF10-related myopathy. Last evaluated: 2022-03-18. Review status: criteria provided, single submitter. Criteria: Invitae Variant Classification Sherloc (09022015). Collection method: clinical testing. Allele origin: germline.
Comment: This sequence change replaces aspartic acid, which is acidic and polar, with tyrosine, which is neutral and polar, at codon 468 of the MEGF10 protein (p.Asp468Tyr). This variant is present in population databases (rs745877628, gnomAD 0.002%). This variant has not been reported in the literature in individuals affected with MEGF10-related conditions. ClinVar contains an entry for this variant (Variation ID: 970352). Algorithms developed to predict the effect of missense changes on protein structure and function (SIFT, PolyPhen-2, Align-GVGD) all suggest that this variant is likely to be disruptive. Algorithms developed to predict the effect of sequence changes on RNA splicing suggest that this variant may create or strengthen a splice site. In summary, the available evidence is currently insufficient to determine the role of this variant in disease. Therefore, it has been classified as a Variant of Uncertain Significance.

NM_001256545.2(MEGF10):c.1402G>T (p.Asp468Tyr)

Gene: MEGF10 (multiple EGF like domains 10; plus strand). Cytogenetic location: 5q23.2.
Variant type: single nucleotide variant.
Coding change: c.1402G>T on transcript NM_001256545.2 (MANE Select); coding-DNA position 1402, G replaced by T.
Protein change: p.Asp468Tyr; replaces aspartic acid 468 with tyrosine.
Molecular consequence: missense variant.
Genome position (GRCh38, 1-based): chr5:127,419,216, G>T. VCF-style: chr5-127419216-G-T. GRCh37 (hg19) VCF-style: chr5-126754908-G-T.
Other names: c.1402G>T, p.Asp468Tyr (NM_001308119.2, NM_001308121.2, NM_032446.3); short protein forms D468Y.
Identifiers: ClinVar variation 970352 (VCV000970352.5), dbSNP rs745877628, ClinGen allele CA3391561.